The following is an entry in ClinVar:

ClinVar aggregate classification (germline): Pathogenic. Review status: criteria provided, multiple submitters, no conflicts (2 of 4 stars). 6 submissions from 6 submitters: Pathogenic (6). Last evaluated 2024-09-20.

Conditions:
AHI1-related disorder. Also called: AHI1-related condition.
Joubert syndrome 3 (JBTS3). Also called: AHI1-related Ciliopathy. Identifiers: Orphanet 220493, MedGen C1837713, MONDO:0012078, OMIM 608629.
Joubert syndrome and related disorders. Identifiers: Orphanet 140874, MedGen C5679612, MONDO:0015369.
Joubert syndrome. Also called: Familial aplasia of the vermis; JOUBERT-BOLTSHAUSER SYNDROME. Identifiers: Orphanet 475, MedGen C5979921, MONDO:0018772.

Allele frequency attached by ClinVar (database versions not stated): TOPMed 0.00001.
gnomAD v4.1: 23 of 1,605,334 alleles (0.0014%); highest among the groups gnomAD compares: East Asian, 0.0022%; no homozygotes.

Submissions (6):

Myriad Genetics, Inc.
Classification: Pathogenic for Joubert syndrome 3. Last evaluated: 2024-09-20. Review status: criteria provided, single submitter. Criteria: Myriad Autosomal Dominant, Autosomal Recessive and X-Linked Classification Criteria (2023). Collection method: clinical testing. Allele origin: unknown.
Comment: NM_001134831.1(AHI1):c.1516C>T(R506*) is expected to be pathogenic in the context of Joubert syndrome, AHI1-related. This variant is predicted to lead to an abnormal or absent protein product due to the creation of a premature termination codon in AHI1, a gene where loss-of-function variants are known to be pathogenic. Please note: this variant was assessed in the context of healthy population screening.

Women's Health and Genetics/Laboratory Corporation of America, LabCorp
Classification: Pathogenic for Joubert syndrome and related disorders. Last evaluated: 2024-08-02. Review status: criteria provided, single submitter. Criteria: LabCorp Variant Classification Summary - May 2015. Collection method: clinical testing. Allele origin: germline.
Comment: Variant summary: AHI1 c.1516C>T (p.Arg506X) results in a premature termination codon, predicted to cause a truncation of the encoded protein or absence of the protein due to nonsense mediated decay, which are commonly known mechanisms for disease. The variant allele was found at a frequency of 1.6e-05 in 248910 control chromosomes. c.1516C>T has been reported in the literature in individuals affected with Joubert Syndrome And Related Disorders (Bachmann-Gagescu_2015). These data do not allow any conclusion about variant significance. To our knowledge, no experimental evidence demonstrating an impact on protein function has been reported. The following publication have been ascertained in the context of this evaluation (PMID: 26092869). ClinVar contains an entry for this variant (Variation ID: 217534). Based on the evidence outlined above, the variant was classified as pathogenic.

Fulgent Genetics
Classification: Pathogenic for Joubert syndrome 3. Last evaluated: 2023-12-28. Review status: criteria provided, single submitter. Criteria: ACMG Guidelines, 2015. Collection method: clinical testing. Allele origin: germline.

Labcorp Genetics (formerly Invitae), Labcorp
Classification: Pathogenic for Joubert syndrome. Last evaluated: 2023-10-04. Review status: criteria provided, single submitter. Criteria: Invitae Variant Classification Sherloc (09022015). Collection method: clinical testing. Allele origin: germline.
Comment: This sequence change creates a premature translational stop signal (p.Arg506*) in the AHI1 gene. It is expected to result in an absent or disrupted protein product. Loss-of-function variants in AHI1 are known to be pathogenic (PMID: 15322546, 16453322, 28442542, 29186038). This variant is present in population databases (rs371637724, gnomAD 0.01%). This premature translational stop signal has been observed in individual(s) with Joubert syndrome (PMID: 26092869). ClinVar contains an entry for this variant (Variation ID: 217534). For these reasons, this variant has been classified as Pathogenic.

Blueprint Genetics
Classification: Pathogenic for AHI1-related disorders. Last evaluated: 2018-01-24. Review status: criteria provided, single submitter. Criteria: ACMG Guidelines, 2015. Collection method: clinical testing. Allele origin: germline. Affected: yes. Observed: 1 variant allele.

UW Hindbrain Malformation Research Program, University of Washington
Classification: Pathogenic for Joubert syndrome 3. Last evaluated: 2015-02-23. Review status: criteria provided, single submitter. Criteria: Bachmann-Gagescu et al. (J Med Genet. 2015). Collection method: research. Allele origin: unknown. Affected: yes.

Literature cited by the submitters: PubMed 26092869 (cited by Women's Health and Genetics/Laboratory Corporation of America, LabCorp and Labcorp Genetics (formerly Invitae), Labcorp); PubMed 15322546 (cited by Labcorp Genetics (formerly Invitae), Labcorp); PubMed 16453322 (cited by Labcorp Genetics (formerly Invitae), Labcorp); PubMed 28442542 (cited by Labcorp Genetics (formerly Invitae), Labcorp); PubMed 29186038 (cited by Labcorp Genetics (formerly Invitae), Labcorp).

NM_001134831.2(AHI1):c.1516C>T (p.Arg506Ter)

Gene: AHI1 (Abelson helper integration site 1; minus strand). Cytogenetic location: 6q23.3.
Variant type: single nucleotide variant.
Coding change: c.1516C>T on transcript NM_001134831.2 (MANE Select); coding-DNA position 1516, C replaced by T.
Protein change: p.Arg506Ter; replaces arginine 506 with a stop codon.
Molecular consequence: nonsense.
Genome position (GRCh38, 1-based): chr6:135,448,400, G>A on the plus strand (C>T on the coding strand, the complement: AHI1 is on the minus strand). VCF-style: chr6-135448400-G-A. GRCh37 (hg19) VCF-style: chr6-135769538-G-A.
Other names: c.1516C>T, p.Arg506Ter (NM_001134830.2, NM_001134832.2, NM_001350503.2 and 2 more transcripts); short protein forms R506*.
Identifiers: ClinVar variation 217534 (VCV000217534.17), dbSNP rs371637724, ClinGen allele CA277801.
Genomic context (GRCh38, chr6:135,448,400, plus strand): 5'-AATGATTTCTTGGACATTTTGACCACCATTCAAATGCCTCAACAACACTTAATGGGGATC[G>A]AGGCTTAGTAGGTGGGTAATATAGCTGCAAGCGAAGTTTTGAGTTGATGTTTGCATTTCC-3'